The following is an entry in ClinVar:

ClinVar aggregate classification (germline): Uncertain significance (1 of 4 stars; one submission).

gnomAD v4.1: 3 of 1,614,090 alleles (0.00019%); highest among the groups gnomAD compares: Non-Finnish European, 0.00025%; no homozygotes.

Submission:

Labcorp Genetics (formerly Invitae), Labcorp
Classification: Uncertain significance. Last evaluated: 2024-01-19. Review status: criteria provided, single submitter. Criteria: Invitae Variant Classification Sherloc (09022015). Collection method: clinical testing. Allele origin: germline.
Comment: This sequence change replaces glutamic acid, which is acidic and polar, with glutamine, which is neutral and polar, at codon 1184 of the ADAMTS18 protein (p.Glu1184Gln). This variant also falls at the last nucleotide of exon 22, which is part of the consensus splice site for this exon. This variant is not present in population databases (gnomAD no frequency). This variant has not been reported in the literature in individuals affected with ADAMTS18-related conditions. ClinVar contains an entry for this variant (Variation ID: 1401496). An algorithm developed to predict the effect of missense changes on protein structure and function (PolyPhen-2) suggests that this variant is likely to be tolerated. Variants that disrupt the consensus splice site are a relatively common cause of aberrant splicing (PMID: 17576681, 9536098). Algorithms developed to predict the effect of sequence changes on RNA splicing suggest that this variant may disrupt the consensus splice site. In summary, the available evidence is currently insufficient to determine the role of this variant in disease. Therefore, it has been classified as a Variant of Uncertain Significance.

Literature cited by the submitters: PubMed 17576681; PubMed 9536098.

NM_199355.4(ADAMTS18):c.3550G>C (p.Glu1184Gln)

Genes: ADAMTS18 (ADAM metallopeptidase with thrombospondin type 1 motif 18; minus strand), LOC126862407 (CDK7 strongly-dependent group 2 enhancer GRCh37_chr16:77322970-77324169; plus strand). Cytogenetic location: 16q23.1.
Variant type: single nucleotide variant.
Coding change: c.3550G>C on transcript NM_199355.4 (MANE Select); coding-DNA position 3550, G replaced by C.
Protein change: p.Glu1184Gln; replaces glutamic acid 1184 with glutamine.
Molecular consequence: missense variant.
Genome position (GRCh38, 1-based): chr16:77,289,264, C>G on the plus strand (G>C on the coding strand, the complement: ADAMTS18 is on the minus strand). VCF-style: chr16-77289264-C-G. GRCh37 (hg19) VCF-style: chr16-77323161-C-G.
Other names: c.3034G>C, p.Glu1012Gln (NM_001326358.2); short protein forms E1012Q, E1184Q.
Identifiers: ClinVar variation 1401496 (VCV001401496.8), dbSNP rs752976883, ClinGen allele CA396830289.